The following is an entry in ClinVar:

ClinVar aggregate classification (germline): Uncertain significance (1 of 4 stars; one submission).

Submission:

GeneDx
Classification: Uncertain significance. Last evaluated: 2024-06-05. Review status: criteria provided, single submitter. Criteria: GeneDx Variant Classification Process June 2021. Collection method: clinical testing. Allele origin: germline. Affected: yes.
Comment: Not observed at significant frequency in large population cohorts (gnomAD); In silico analysis supports that this missense variant has a deleterious effect on protein structure/function; Has not been previously published as pathogenic or benign to our knowledge

NM_032108.4(SEMA6B):c.800G>C (p.Cys267Ser)

Gene: SEMA6B (semaphorin 6B; minus strand). Cytogenetic location: 19p13.3.
Variant type: single nucleotide variant.
Coding change: c.800G>C on transcript NM_032108.4 (MANE Select); coding-DNA position 800, G replaced by C.
Protein change: p.Cys267Ser; replaces cysteine 267 with serine.
Molecular consequence: missense variant.
Genome position (GRCh38, 1-based): chr19:4,552,611, C>G on the plus strand (G>C on the coding strand, the complement: SEMA6B is on the minus strand). VCF-style: chr19-4552611-C-G. GRCh37 (hg19) VCF-style: chr19-4552623-C-G.
Other names: short protein forms C267S.
Identifiers: ClinVar variation 3384275 (VCV003384275.1).